The following is an entry in ClinVar:

ClinVar aggregate classification (germline): Uncertain significance (1 of 4 stars; one submission).

gnomAD v4.1: 16 of 1,600,694 alleles (0.001%); highest among the groups gnomAD compares: African/African-American, 0.011%; no homozygotes.

Submission:

Labcorp Genetics (formerly Invitae), Labcorp
Classification: Uncertain significance. Last evaluated: 2025-10-10. Review status: criteria provided, single submitter. Criteria: Invitae Variant Classification Sherloc (09022015). Collection method: clinical testing. Allele origin: germline.
Comment: This sequence change replaces methionine, which is neutral and non-polar, with valine, which is neutral and non-polar, at codon 3217 of the VPS13C protein (p.Met3217Val). This variant is present in population databases (rs368090156, gnomAD 0.005%). This variant has not been reported in the literature in individuals affected with VPS13C-related conditions. Invitae Evidence Modeling of protein sequence and biophysical properties (such as structural, functional, and spatial information, amino acid conservation, physicochemical variation, residue mobility, and thermodynamic stability) indicates that this missense variant is not expected to disrupt VPS13C protein function with a negative predictive value of 80%. In summary, the available evidence is currently insufficient to determine the role of this variant in disease. Therefore, it has been classified as a Variant of Uncertain Significance.

NM_020821.3(VPS13C):c.9649A>G (p.Met3217Val)

Gene: VPS13C (vacuolar protein sorting 13 homolog C; minus strand). Cytogenetic location: 15q22.2.
Variant type: single nucleotide variant.
Coding change: c.9649A>G on transcript NM_020821.3 (MANE Select); coding-DNA position 9649, A replaced by G.
Protein change: p.Met3217Val; replaces methionine 3217 with valine.
Molecular consequence: missense variant.
Genome position (GRCh38, 1-based): chr15:61,881,804, T>C on the plus strand (A>G on the coding strand, the complement: VPS13C is on the minus strand). VCF-style: chr15-61881804-T-C. GRCh37 (hg19) VCF-style: chr15-62174003-T-C.
Other names: c.9649A>G, p.Met3217Val (NM_001018088.3); c.9520A>G, p.Met3174Val (NM_017684.5, NM_018080.4); short protein forms M3217V, M3174V.
Identifiers: ClinVar variation 4753392 (VCV004753392.1).